The following is an entry in ClinVar:

NM_000138.5(FBN1):c.7699+1G>A

Gene: FBN1 (fibrillin 1; minus strand). Cytogenetic location: 15q21.1.
Variant type: single nucleotide variant.
Coding change: c.7699+1G>A on transcript NM_000138.5 (MANE Select); the canonical splice donor site of the intron after coding-DNA position 7699, G replaced by A.
Molecular consequence: splice donor variant.
Genome position (GRCh38, 1-based): chr15:48,421,557, C>T on the plus strand (G>A on the coding strand, the complement: FBN1 is on the minus strand). VCF-style: chr15-48421557-C-T. GRCh37 (hg19) VCF-style: chr15-48713754-C-T.
Other names: c.7699+1G>A (NM_001406716.1).
Identifiers: ClinVar variation 549421 (VCV000549421.30), dbSNP rs1555394189, ClinGen allele CA392324907.

ClinVar aggregate classification (germline): Pathogenic/Likely pathogenic. Review status: criteria provided, multiple submitters, no conflicts (2 of 4 stars). 5 submissions from 5 submitters: Pathogenic (2); Likely pathogenic (2). 1 of the submissions does not count toward it. Last evaluated 2022-03-02.

Conditions:
Familial thoracic aortic aneurysm and aortic dissection (TAAD). Also called: Thoracic aortic aneurysms and dissections. Identifiers: Orphanet 91387, MedGen C4707243, MONDO:0019625.
Marfan syndrome (MFS). Also called: Marfan syndrome type 1; Marfan syndrome, classic; Marfan's syndrome; FBN1-Related Marfan Syndrome; MARFAN SYNDROME, TYPE I. Identifiers: Orphanet 284963, Orphanet 558, MedGen C0024796, MONDO:0007947, OMIM 154700.
FBN1-related disorder. Also called: FBN1-related disorders.

Submissions (5):

Blueprint Genetics
Classification: Pathogenic for FBN1-related disorders. Last evaluated: 2022-03-02. Review status: criteria provided, single submitter. Criteria: ACMG Guidelines, 2015. Collection method: clinical testing. Allele origin: germline. Affected: yes. Observed: 2 variant alleles.

Centre of Medical Genetics, University of Antwerp
Classification: Likely pathogenic for Marfan syndrome. Last evaluated: 2021-03-01. Review status: criteria provided, single submitter. Criteria: Submitter's publication. Collection method: research. Allele origin: unknown. Affected: yes.
Comment: PM2, PS7, PP4

Labcorp Genetics (formerly Invitae), Labcorp
Classification: Pathogenic for Marfan syndrome; Familial thoracic aortic aneurysm and aortic dissection. Last evaluated: 2020-03-18. Review status: criteria provided, single submitter. Criteria: Invitae Variant Classification Sherloc (09022015). Collection method: clinical testing. Allele origin: germline.
Comment: This sequence change affects a donor splice site in intron 62 of the FBN1 gene. It is expected to disrupt RNA splicing and likely results in an absent or disrupted protein product. This variant is not present in population databases (ExAC no frequency). This variant has been observed in individual(s) with Marfan syndrome (PMID: 21542060; Invitae). ClinVar contains an entry for this variant (Variation ID: 549421). Donor and acceptor splice site variants typically lead to a loss of protein function (PMID: 16199547), and loss-of-function variants in FBN1 are known to be pathogenic (PMID: 17657824, 19293843). For these reasons, this variant has been classified as Pathogenic.

Ambry Genetics
Classification: Likely pathogenic for Familial thoracic aortic aneurysm and aortic dissection. Last evaluated: 2020-01-09. Review status: criteria provided, single submitter. Criteria: Ambry Variant Classification Scheme 2023. Collection method: clinical testing. Allele origin: germline.
Comment: The c.7699+1G>A intronic variant results from a G to A substitution one nucleotide after coding exon 61 of the FBN1 gene. This variant was reported in an individual with Marfan syndrome; however, clinical details were limited, and an additional FBN1 missense alteration was also detected (Baetens M et al. Hum. Mutat., 2011 Sep;32:1053-62). This variant was not reported in population-based cohorts in the Genome Aggregation Database (gnomAD). This nucleotide position is highly conserved in available vertebrate species. Using the BDGP and ESEfinder splice site prediction tools, this alteration is predicted to abolish the native splice donor site; however, direct evidence is unavailable. Alterations that disrupt the canonical splice site are expected to cause aberrant splicing, resulting in an abnormal protein or a transcript that is subject to nonsense-mediated mRNA decay. As such, this alteration is classified as likely pathogenic.

Center for Medical Genetics Ghent, University of Ghent
Classification: Likely pathogenic for Marfan syndrome. Last evaluated: 2017-11-07. Review status: no assertion criteria provided. Collection method: clinical testing. Allele origin: germline. Affected: yes. Not counted in ClinVar's aggregate classification.

Literature cited by the submitters: PubMed 21542060 (cited by Labcorp Genetics (formerly Invitae), Labcorp and Ambry Genetics); PubMed 16199547 (cited by Labcorp Genetics (formerly Invitae), Labcorp); PubMed 17657824 (cited by Labcorp Genetics (formerly Invitae), Labcorp); PubMed 19293843 (cited by Labcorp Genetics (formerly Invitae), Labcorp).